The following is an entry in ClinVar:

NM_003442.6(ZNF143):c.37A>G (p.Met13Val)

Gene: ZNF143 (zinc finger protein 143; plus strand). Cytogenetic location: 11p15.4.
Variant type: single nucleotide variant.
Coding change: c.37A>G on transcript NM_003442.6 (MANE Select); coding-DNA position 37, A replaced by G.
Protein change: p.Met13Val; replaces methionine 13 with valine.
Molecular consequence: missense variant.
Genome position (GRCh38, 1-based): chr11:9,471,345, A>G. VCF-style: chr11-9471345-A-G. GRCh37 (hg19) VCF-style: chr11-9492892-A-G.
Other names: c.37A>G, p.Met13Val (NM_001282656.2, NM_001282657.2); short protein forms M13V.
Identifiers: ClinVar variation 3628383 (VCV003628383.2).

ClinVar aggregate classification (germline): Uncertain significance (1 of 4 stars; one submission).

Submission:

Labcorp Genetics (formerly Invitae), Labcorp
Classification: Uncertain significance. Last evaluated: 2026-01-26. Review status: criteria provided, single submitter. Criteria: Invitae Variant Classification Sherloc (09022015). Collection method: clinical testing. Allele origin: germline.
Comment: This sequence change replaces methionine, which is neutral and non-polar, with valine, which is neutral and non-polar, at codon 13 of the ZNF143 protein (p.Met13Val). This variant is present in population databases (rs369233915, gnomAD 0.004%). This variant has not been reported in the literature in individuals affected with ZNF143-related conditions. ClinVar contains an entry for this variant (Variation ID: 3628383). An algorithm developed to predict the effect of missense changes on protein structure and function (PolyPhen-2) suggests that this variant is likely to be tolerated. In summary, the available evidence is currently insufficient to determine the role of this variant in disease. Therefore, it has been classified as a Variant of Uncertain Significance.